The following is an entry in ClinVar:

NM_002471.4(MYH6):c.3347G>A (p.Arg1116His)

Gene: MYH6 (myosin heavy chain 6; minus strand). Cytogenetic location: 14q11.2.
Variant type: single nucleotide variant.
Coding change: c.3347G>A on transcript NM_002471.4 (MANE Select); coding-DNA position 3347, G replaced by A.
Protein change: p.Arg1116His; replaces arginine 1116 with histidine.
Molecular consequence: missense variant.
Genome position (GRCh38, 1-based): chr14:23,390,442, C>T on the plus strand (G>A on the coding strand, the complement: MYH6 is on the minus strand). VCF-style: chr14-23390442-C-T. GRCh37 (hg19) VCF-style: chr14-23859651-C-T.
Other names: short protein forms R1116H.
Identifiers: ClinVar variation 239166 (VCV000239166.20), dbSNP rs369247906, ClinGen allele CA7115206.

ClinVar aggregate classification (germline): Conflicting classifications of pathogenicity. Review status: criteria provided, conflicting classifications (1 of 4 stars). 4 submissions from 4 submitters: Uncertain significance (2); Likely benign (2). Last evaluated 2024-11-19.

Conditions:
Cardiovascular phenotype. Identifiers: MedGen CN230736.
Hypertrophic cardiomyopathy 14. Identifiers: MedGen C2750467, MONDO:0013197, OMIM 613251.
Primary familial hypertrophic cardiomyopathy (HCM). Identifiers: Orphanet 99739, MedGen C0949658, MeSH D024741, MONDO:0024573. Inheritance: Various modes of inheritance.

Allele frequency attached by ClinVar (database versions not stated): gnomAD 0.00004 and 0.00005; gnomAD exomes 0.00004 and 0.00008; TOPMed 0.00007; ESP Exome Variant Server 0.00008; ExAC 0.00009.
gnomAD v4.1: 72 of 1,612,648 alleles (0.0045%); highest among the groups gnomAD compares: Middle Eastern, 0.017%; no homozygotes.

Submissions (4):

Labcorp Genetics (formerly Invitae), Labcorp
Classification: Likely benign for Hypertrophic cardiomyopathy 14. Last evaluated: 2024-11-19. Review status: criteria provided, single submitter. Criteria: Invitae Variant Classification Sherloc (09022015). Collection method: clinical testing. Allele origin: germline.

GeneDx
Classification: Uncertain significance. Last evaluated: 2024-02-26. Review status: criteria provided, single submitter. Criteria: GeneDx Variant Classification Process June 2021. Collection method: clinical testing. Allele origin: germline. Affected: yes.
Comment: Identified in patients with HCM and cardiac conduction system disease (CCSD) (PMID: 18258667, 31977013); In silico analysis supports that this missense variant has a deleterious effect on protein structure/function; This variant is associated with the following publications: (PMID: 18258667, 35621855, 29875424, 31977013)

Ambry Genetics
Classification: Likely benign for Cardiovascular phenotype. Last evaluated: 2023-10-13. Review status: criteria provided, single submitter. Criteria: Ambry Variant Classification Scheme 2023. Collection method: clinical testing. Allele origin: germline.

Molecular Diagnostic Laboratory for Inherited Cardiovascular Disease, Montreal Heart Institute
Classification: Uncertain significance for Primary familial hypertrophic cardiomyopathy. Last evaluated: 2017-02-11. Review status: criteria provided, single submitter. Criteria: ACMG Guidelines, 2015. Collection method: clinical testing. Allele origin: germline. Affected: yes.

Literature cited by the submitters: PubMed 29875424 (cited by Ambry Genetics).